The following is an entry in ClinVar:

ClinVar aggregate classification (germline): Benign. Review status: criteria provided, single submitter (1 of 4 stars). 6 submissions from 3 submitters: Benign (1). 5 of the submissions do not count toward it. Last evaluated 2026-02-04.

Conditions:
Interstitial lung disease 2 (ILD2). Also called: FIBROCYSTIC PULMONARY DYSPLASIA; FIBROSING ALVEOLITIS, CRYPTOGENIC; Familial idiopathic pulmonary fibrosis. Identifiers: Orphanet 2032, Orphanet 79126, MedGen C5561926, MONDO:0800497, OMIM 178500, MONDO:0800029.
Dyskeratosis congenita, autosomal dominant 2. Identifiers: MedGen C3151443, MONDO:0013521, OMIM 613989.
Idiopathic Pulmonary Fibrosis. Also called: Idiopathic fibrosing alveolitis, chronic form; idiopathic fibrosing alveolitis. Identifiers: Orphanet 2032, MedGen C1800706, MeSH D054990, MONDO:0800504.
Chronic osteomyelitis. Identifiers: MedGen C0008707.
Combined pulmonary fibrosis-emphysema syndrome. Also called: Pulmonary emphysema co-occurrent with fibrosis of lung. Identifiers: Orphanet 300564, MedGen C3872815, MONDO:0017591.
Susceptibility to severe coronavirus disease (COVID-19). Also called: Susceptibility to severe coronavirus disease COVID-19.
Chronic obstructive pulmonary disease. Also called: Chronic pulmonary obstruction. Identifiers: MedGen C0024117, MeSH D029424, MONDO:0005002, OMIM 606963, HP:0006510.

Allele frequency attached by ClinVar (database versions not stated): 1000 Genomes Project 30x 0.51515; 1000 Genomes Project 0.51538; gnomAD 0.51922 and 0.52208; TOPMed 0.52829.
gnomAD v4.1: 78,771 of 151,908 alleles (52%); highest among the groups gnomAD compares: Admixed American, 60%; 20,520 homozygotes.

Submissions (6):

Labcorp Genetics (formerly Invitae), Labcorp
Classification: Benign for Dyskeratosis congenita, autosomal dominant 2; Idiopathic Pulmonary Fibrosis. Last evaluated: 2026-02-04. Review status: criteria provided, single submitter. Criteria: Invitae Variant Classification Sherloc (09022015). Collection method: clinical testing. Allele origin: germline.

Pneumogenomics Laboratory, Instituto Nacional de Enfermedades Respiratorias Ismael Cosio Villegas
Classification: Likely risk allele for Susceptibility to severe coronavirus disease COVID-19. Last evaluated: 2024-05-13. Review status: no assertion criteria provided. Collection method: research. Allele origin: germline. Affected: yes. Not counted in ClinVar's aggregate classification.
Comment: The NC_000005.10:g.1286401C>A (rs2736100) is an intron variant in TERT (telomerase reverse transcriptase), a gene encoding a subunit of the telomerase complex that adds nucleotides to the ends of telomeres. It has been widely studied in diseases such as rheumatoid arthritis, cancer, and lung diseases. Particularly the rs2736100 variant has been related to the telomeres’ length (PMID: 29536006). We found it associated with a differential risk of acute respiratory distress syndrome in patients with COVID-19. It was observed that the FEV1 (%) varied according to the TERT rs2736100 genotypes when the pulmonary function tests were performed for the first time at hospital discharge of patients with post-COVID-19 condition. Recent research has pointed out the relationship between the TERT gene and consistently the presence of short telomeres in patients with severe COVID-19 symptoms (PMID: 33428591). Due to the reported data, the variant was classified as a likely risk allele.

Pneumogenomics Laboratory, Instituto Nacional de Enfermedades Respiratorias Ismael Cosio Villegas
Classification: association for Idiopathic Pulmonary Fibrosis. Last evaluated: 2021-05-04. Review status: no assertion criteria provided. Collection method: case-control. Allele origin: germline. Affected: yes. Not counted in ClinVar's aggregate classification.

Pneumogenomics Laboratory, Instituto Nacional de Enfermedades Respiratorias Ismael Cosio Villegas
Classification: Uncertain significance for Chronic obstructive pulmonary disease. Last evaluated: 2021-05-04. Review status: no assertion criteria provided. Collection method: case-control. Allele origin: germline. Affected: yes. Not counted in ClinVar's aggregate classification.

Pneumogenomics Laboratory, Instituto Nacional de Enfermedades Respiratorias Ismael Cosio Villegas
Classification: association for Combined pulmonary fibrosis-emphysema syndrome. Last evaluated: 2021-05-04. Review status: no assertion criteria provided. Collection method: case-control. Allele origin: germline. Affected: yes. Not counted in ClinVar's aggregate classification.

Department of Orthopeadics and Traumatology, Nanfang Hospital
Classification: association for Chronic osteomyelitis. Last evaluated: 2016-09-01. Review status: no assertion criteria provided. Collection method: case-control. Allele origin: unknown. Affected: yes and no. Observed: 106 variant alleles. Not counted in ClinVar's aggregate classification.

NM_198253.3(TERT):c.1574-3777G>T

Gene: TERT (telomerase reverse transcriptase; minus strand). Cytogenetic location: 5p15.33.
Variant type: single nucleotide variant.
Coding change: c.1574-3777G>T on transcript NM_198253.3 (MANE Select); 3777 bases into the intron before coding-DNA position 1574, G replaced by T.
Molecular consequence: intron variant.
Genome position (GRCh38, 1-based): chr5:1,286,401, C>A on the plus strand (G>T on the coding strand, the complement: TERT is on the minus strand). VCF-style: chr5-1286401-C-A. GRCh37 (hg19) VCF-style: chr5-1286516-C-A.
Other names: c.1574-3777G>T (NM_001193376.3).
Identifiers: ClinVar variation 375480 (VCV000375480.16), dbSNP rs2736100, ClinGen allele CA11915794.